The following is an entry in ClinVar:

NM_006648.4(WNK2):c.598G>A (p.Glu200Lys)

Gene: WNK2 (WNK lysine deficient protein kinase 2; plus strand). Cytogenetic location: 9q22.31.
Variant type: single nucleotide variant.
Coding change: c.598G>A on transcript NM_006648.4 (MANE Select); coding-DNA position 598, G replaced by A.
Protein change: p.Glu200Lys; replaces glutamic acid 200 with lysine.
Molecular consequence: missense variant.
Genome position (GRCh38, 1-based): chr9:93,185,527, G>A. VCF-style: chr9-93185527-G-A. GRCh37 (hg19) VCF-style: chr9-95947809-G-A.
Other names: c.598G>A, p.Glu200Lys (NM_001282394.3); short protein forms E200K.
Identifiers: ClinVar variation 3816474 (VCV003816474.1).

ClinVar aggregate classification (germline): Uncertain significance (1 of 4 stars; one submission).

gnomAD v4.1: 1 of 1,613,010 alleles (0.000062%); highest among the groups gnomAD compares: Non-Finnish European, 0.000085%; no homozygotes.

Submission:

Ambry Genetics
Classification: Uncertain significance. Last evaluated: 2024-12-14. Review status: criteria provided, single submitter. Criteria: Ambry Variant Classification Scheme 2023. Collection method: clinical testing. Allele origin: germline.
Comment: The p.E200K variant (also known as c.598G>A), located in coding exon 1 of the WNK2 gene, results from a G to A substitution at nucleotide position 598. The glutamic acid at codon 200 is replaced by lysine, an amino acid with similar properties. This amino acid position is conserved. In addition, the in silico prediction for this alteration is inconclusive. Based on the available evidence, the clinical significance of this variant remains unclear.